The following is an entry in ClinVar:

NM_001145026.2(PTPRQ):c.4198A>C (p.Thr1400Pro)

Gene: PTPRQ (protein tyrosine phosphatase receptor type Q; plus strand). Cytogenetic location: 12q21.31.
Variant type: single nucleotide variant.
Coding change: c.4198A>C on transcript NM_001145026.2 (MANE Select); coding-DNA position 4198, A replaced by C.
Protein change: p.Thr1400Pro; replaces threonine 1400 with proline.
Molecular consequence: missense variant.
Genome position (GRCh38, 1-based): chr12:80,549,647, A>C. VCF-style: chr12-80549647-A-C. GRCh37 (hg19) VCF-style: chr12-80943426-A-C.
Other names: short protein forms T1400P.
Identifiers: ClinVar variation 3373299 (VCV003373299.2).

ClinVar aggregate classification (germline): Uncertain significance (1 of 4 stars; one submission).

gnomAD v4.1: 1 of 1,551,176 alleles (0.000064%); highest among the groups gnomAD compares: Admixed American, 0.002%; no homozygotes.

Submission:

GeneDx
Classification: Uncertain significance. Last evaluated: 2025-07-10. Review status: criteria provided, single submitter. Criteria: GeneDx Variant Classification Process June 2021. Collection method: clinical testing. Allele origin: germline. Affected: yes.
Comment: Not observed at significant frequency in large population cohorts (gnomAD); In silico analysis supports that this missense variant has a deleterious effect on protein structure/function; Has not been previously published as pathogenic or benign to our knowledge